The following is an entry in ClinVar:

ClinVar aggregate classification (germline): Uncertain significance. Review status: criteria provided, multiple submitters, no conflicts (2 of 4 stars). 3 submissions from 3 submitters: Uncertain significance (3). Last evaluated 2025-11-24.

Conditions:
Colorectal cancer, susceptibility to, 1. Also called: COLORECTAL ADENOMA AND CANCER, SUSCEPTIBILITY TO; COLORECTAL CANCER, SUSCEPTIBILITY TO, ON CHROMOSOME 9. Identifiers: MedGen C1837315, MONDO:0012132, OMIM 608812.

Allele frequency attached by ClinVar (database versions not stated): gnomAD 0.00002; TOPMed 0.00003.
gnomAD v4.1: 6 of 1,187,252 alleles (0.00051%); highest among the groups gnomAD compares: African/African-American, 0.0033%; no homozygotes.

Submissions (3):

Ambry Genetics
Classification: Uncertain significance. Last evaluated: 2025-11-24. Review status: criteria provided, single submitter. Criteria: Ambry Variant Classification Scheme 2023. Collection method: clinical testing. Allele origin: germline.

Labcorp Genetics (formerly Invitae), Labcorp
Classification: Uncertain significance. Last evaluated: 2025-07-31. Review status: criteria provided, single submitter. Criteria: Invitae Variant Classification Sherloc (09022015). Collection method: clinical testing. Allele origin: germline.
Comment: This sequence change replaces proline, which is neutral and non-polar, with leucine, which is neutral and non-polar, at codon 11 of the GALNT12 protein (p.Pro11Leu). The frequency data for this variant in the population databases is considered unreliable, as metrics indicate poor data quality at this position in the gnomAD database. This variant has not been reported in the literature in individuals affected with GALNT12-related conditions. ClinVar contains an entry for this variant (Variation ID: 823493). Experimental studies and prediction algorithms are not available or were not evaluated, and the functional significance of this variant is currently unknown. In summary, the available evidence is currently insufficient to determine the role of this variant in disease. Therefore, it has been classified as a Variant of Uncertain Significance.

Baylor Genetics
Classification: Uncertain significance for Colorectal cancer, susceptibility to, 1. Last evaluated: 2023-07-19. Review status: criteria provided, single submitter. Criteria: ACMG Guidelines, 2015. Collection method: clinical testing. Allele origin: unknown.

NM_024642.5(GALNT12):c.32C>T (p.Pro11Leu)

Gene: GALNT12 (polypeptide N-acetylgalactosaminyltransferase 12; plus strand). Cytogenetic location: 9q22.33.
Variant type: single nucleotide variant.
Coding change: c.32C>T on transcript NM_024642.5 (MANE Select); coding-DNA position 32, C replaced by T.
Protein change: p.Pro11Leu; replaces proline 11 with leucine.
Molecular consequence: missense variant.
Genome position (GRCh38, 1-based): chr9:98,807,730, C>T. VCF-style: chr9-98807730-C-T. GRCh37 (hg19) VCF-style: chr9-101570012-C-T.
Other names: short protein forms P11L.
Identifiers: ClinVar variation 823493 (VCV000823493.13), dbSNP rs1009053405, ClinGen allele CA196833758.